The following is an entry in ClinVar:

ClinVar aggregate classification (germline): Pathogenic (1 of 4 stars; one submission).

Conditions:
Peroxisome biogenesis disorder 9B. Also called: PEX7-Related Refsum Disease; PEROXISOME BIOGENESIS DISORDER, PEX7-RELATED, ATYPICAL; Refsum disease, adult, 2. Identifiers: Orphanet 773, MedGen C2749346, MONDO:0013945, OMIM 614879.

Submission:

Labcorp Genetics (formerly Invitae), Labcorp
Classification: Pathogenic for Peroxisome biogenesis disorder 9B. Last evaluated: 2022-07-10. Review status: criteria provided, single submitter. Criteria: Invitae Variant Classification Sherloc (09022015). Collection method: clinical testing. Allele origin: germline.
Comment: This sequence change creates a premature translational stop signal (p.Gln105Profs*83) in the PEX7 gene. It is expected to result in an absent or disrupted protein product. Loss-of-function variants in PEX7 are known to be pathogenic (PMID: 12325024, 12522768, 20301447). This variant is not present in population databases (gnomAD no frequency). This variant has not been reported in the literature in individuals affected with PEX7-related conditions. For these reasons, this variant has been classified as Pathogenic.

Literature cited by the submitters: PubMed 12325024; PubMed 12522768; PubMed 20301447.

NM_000288.4(PEX7):c.294_313dup (p.Gln105fs)

Gene: PEX7 (peroxisomal biogenesis factor 7; plus strand). Cytogenetic location: 6q23.3.
Variant type: Duplication.
Coding change: c.294_313dup on transcript NM_000288.4 (MANE Select); coding-DNA positions 294 to 313, 20 bases duplicated (CAAAGCTGCAGGGCCACTGC).
Protein change: p.Gln105fs; shifts the reading frame from glutamine 105.
Molecular consequence: frameshift variant.
Genome position (GRCh38, 1-based): chr6:136,826,424-136,826,443, CAAAGCTGCAGGGCCACTGC duplicated; duplicating any 20 consecutive bases within chr6:136,826,418-136,826,443 gives the same sequence; the c. name uses the placement nearest the transcript's 3' end. VCF-style (leftmost placement, unchanged base first): chr6-136826417-A-ACACTGCCAAAGCTGCAGGGC. GRCh37 (hg19) VCF-style: chr6-137147555-A-ACACTGCCAAAGCTGCAGGGC.
Other names: c.180_199dup, p.Gln67Profs (NM_001410945.1); short protein forms Q105fs.
Identifiers: ClinVar variation 2015707 (VCV002015707.4), dbSNP rs1554328993, ClinGen allele CA917868902.